The following is an entry in ClinVar:

NM_201548.5(CERKL):c.633C>T (p.His211=)

Gene: CERKL (CERK like autophagy regulator; minus strand). Cytogenetic location: 2q31.3.
Variant type: single nucleotide variant.
Coding change: c.633C>T on transcript NM_201548.5 (MANE Select); coding-DNA position 633, C replaced by T.
Protein change: p.His211=; no amino-acid change (histidine 211 retained).
Molecular consequence: synonymous variant. On other transcripts: intron variant (2).
Genome position (GRCh38, 1-based): chr2:181,566,102, G>A on the plus strand (C>T on the coding strand, the complement: CERKL is on the minus strand). VCF-style: chr2-181566102-G-A. GRCh37 (hg19) VCF-style: chr2-182430829-G-A.
Other names: c.633C>T (NM_001030311.2); c.633C>T, p.His211= (NM_001030311.3); c.501C>T, p.His167= (NM_001160277.2); c.482-16394C>T (NM_001030312.3); c.613+7651C>T (NM_001030313.3).
Identifiers: ClinVar variation 1099084 (VCV001099084.11), dbSNP rs201656622, ClinGen allele CA2010745.

ClinVar aggregate classification (germline): Likely benign. Review status: criteria provided, multiple submitters, no conflicts (2 of 4 stars). 3 submissions from 3 submitters: Likely benign (3). Last evaluated 2026-01-23.

Conditions:
CERKL-related disorder. Also called: CERKL-related condition.

Allele frequency attached by ClinVar (database versions not stated): ExAC 0.00007; ESP Exome Variant Server 0.00008; gnomAD exomes 0.00008; gnomAD 0.00026 and 0.00029; TOPMed 0.00028; 1000 Genomes Project 0.00060; 1000 Genomes Project 30x 0.00062.

Submissions (3):

Labcorp Genetics (formerly Invitae), Labcorp
Classification: Likely benign. Last evaluated: 2026-01-23. Review status: criteria provided, single submitter. Criteria: Invitae Variant Classification Sherloc (09022015). Collection method: clinical testing. Allele origin: germline.

PreventionGenetics, part of Exact Sciences
Classification: Likely benign for CERKL-related condition. Last evaluated: 2025-12-26. Review status: criteria provided, single submitter. Criteria: ACMG Guidelines, 2015. Collection method: clinical testing. Allele origin: germline.
Comment: This variant is classified as likely benign based on ACMG/AMP sequence variant interpretation guidelines (Richards et al. 2015 PMID: 25741868, with internal and published modifications).

Blueprint Genetics
Classification: Likely benign. Last evaluated: 2021-12-14. Review status: criteria provided, single submitter. Criteria: ACMG Guidelines, 2015. Collection method: clinical testing. Allele origin: germline.